The following is an entry in ClinVar:

NM_001253697.2(ERBIN):c.2024G>A (p.Ser675Asn)

Gene: ERBIN (erbb2 interacting protein; plus strand). Cytogenetic location: 5q12.3.
Variant type: single nucleotide variant.
Coding change: c.2024G>A on transcript NM_001253697.2 (MANE Select); coding-DNA position 2024, G replaced by A.
Protein change: p.Ser675Asn; replaces serine 675 with asparagine.
Molecular consequence: missense variant.
Genome position (GRCh38, 1-based): chr5:66,050,903, G>A. VCF-style: chr5-66050903-G-A. GRCh37 (hg19) VCF-style: chr5-65346731-G-A.
Other names: c.2024G>A, p.Ser675Asn (NM_001006600.3, NM_001253698.2, NM_001253699.2 and 1 more transcripts); c.2012G>A, p.Ser671Asn (NM_001253701.2); short protein forms S675N, S671N.
Identifiers: ClinVar variation 2818956 (VCV002818956.3), dbSNP rs1758953954, ClinGen allele CA359863962.

ClinVar aggregate classification (germline): Uncertain significance (1 of 4 stars; one submission).

Submission:

Labcorp Genetics (formerly Invitae), Labcorp
Classification: Uncertain significance. Last evaluated: 2023-12-17. Review status: criteria provided, single submitter. Criteria: Invitae Variant Classification Sherloc (09022015). Collection method: clinical testing. Allele origin: germline.
Comment: This sequence change replaces serine, which is neutral and polar, with asparagine, which is neutral and polar, at codon 675 of the ERBIN protein (p.Ser675Asn). This variant is not present in population databases (gnomAD no frequency). This variant has not been reported in the literature in individuals affected with ERBIN-related conditions. An algorithm developed to predict the effect of missense changes on protein structure and function (PolyPhen-2) suggests that this variant is likely to be disruptive. In summary, the available evidence is currently insufficient to determine the role of this variant in disease. Therefore, it has been classified as a Variant of Uncertain Significance.